The following is an entry in ClinVar:

NM_001167.4(XIAP):c.296A>G (p.Glu99Gly)

Gene: XIAP (X-linked inhibitor of apoptosis; plus strand). Cytogenetic location: Xq25.
Variant type: single nucleotide variant.
Coding change: c.296A>G on transcript NM_001167.4 (MANE Select); coding-DNA position 296, A replaced by G.
Protein change: p.Glu99Gly; replaces glutamic acid 99 with glycine.
Molecular consequence: missense variant.
Genome position (GRCh38, 1-based): chrX:123,885,958, A>G. VCF-style: chrX-123885958-A-G. GRCh37 (hg19) VCF-style: chrX-123019808-A-G.
Other names: c.296A>G, p.Glu99Gly (NM_001204401.2, NM_001378590.1, NM_001378591.1 and 1 more transcripts); short protein forms E99G.
Identifiers: ClinVar variation 1614069 (VCV001614069.32), dbSNP rs769904534, ClinGen allele CA10508010.

ClinVar aggregate classification (germline): Conflicting classifications of pathogenicity. Review status: criteria provided, conflicting classifications (1 of 4 stars). 2 submissions from 2 submitters: Uncertain significance (1); Benign (1). Last evaluated 2024-06-20.

Conditions:
X-linked lymphoproliferative disease due to XIAP deficiency. Also called: XIAP DEFICIENCY; XIAP-Related Lymphoproliferative Disease, X-Linked. Identifiers: Orphanet 2442, Orphanet 538934, MedGen C1845076, MONDO:0010385, OMIM 300635.

Allele frequency attached by ClinVar (database versions not stated): TOPMed 0.00001; gnomAD exomes 0.00003 and 0.00006; ExAC 0.00005.

Submissions (2):

Labcorp Genetics (formerly Invitae), Labcorp
Classification: Benign for X-linked lymphoproliferative disease due to XIAP deficiency. Last evaluated: 2024-06-20. Review status: criteria provided, single submitter. Criteria: Invitae Variant Classification Sherloc (09022015). Collection method: clinical testing. Allele origin: germline.

CeGaT Center for Human Genetics Tuebingen
Classification: Uncertain significance. Last evaluated: 2023-01-01. Review status: criteria provided, single submitter. Criteria: CeGaT Center For Human Genetics Tuebingen Variant Classification Criteria Version 2. Collection method: clinical testing. Allele origin: germline. Affected: yes. Observed: 1 variant allele.
Comment: XIAP: PM2, BP4